The following is an entry in ClinVar:

NM_005477.3(HCN4):c.3179C>G (p.Pro1060Arg)

Gene: HCN4 (hyperpolarization activated cyclic nucleotide gated potassium channel 4; minus strand). Cytogenetic location: 15q24.1.
Variant type: single nucleotide variant.
Coding change: c.3179C>G on transcript NM_005477.3 (MANE Select); coding-DNA position 3179, C replaced by G.
Protein change: p.Pro1060Arg; replaces proline 1060 with arginine.
Molecular consequence: missense variant.
Genome position (GRCh38, 1-based): chr15:73,322,914, G>C on the plus strand (C>G on the coding strand, the complement: HCN4 is on the minus strand). VCF-style: chr15-73322914-G-C. GRCh37 (hg19) VCF-style: chr15-73615255-G-C.
Other names: short protein forms P1060R.
Identifiers: ClinVar variation 1728503 (VCV001728503.5), dbSNP rs764262532, ClinGen allele CA272663662.

ClinVar aggregate classification (germline): Uncertain significance. Review status: criteria provided, multiple submitters, no conflicts (2 of 4 stars). 2 submissions from 2 submitters: Uncertain significance (2). Last evaluated 2025-08-14.

Conditions:
Cardiovascular phenotype. Identifiers: MedGen CN230736.
Brugada syndrome 8 (BRGDA8). Identifiers: Orphanet 130, MedGen C2751083, MONDO:0013148, OMIM 613123.

gnomAD v4.1: 1 of 1,402,746 alleles (0.000071%); highest among the groups gnomAD compares: Non-Finnish European, 0.000094%; no homozygotes.

Submissions (2):

Labcorp Genetics (formerly Invitae), Labcorp
Classification: Uncertain significance for Brugada syndrome 8. Last evaluated: 2025-08-14. Review status: criteria provided, single submitter. Criteria: Invitae Variant Classification Sherloc (09022015). Collection method: clinical testing. Allele origin: germline.
Comment: This sequence change replaces proline, which is neutral and non-polar, with arginine, which is basic and polar, at codon 1060 of the HCN4 protein (p.Pro1060Arg). This variant is not present in population databases (gnomAD no frequency). This variant has not been reported in the literature in individuals affected with HCN4-related conditions. ClinVar contains an entry for this variant (Variation ID: 1728503). Invitae Evidence Modeling of protein sequence and biophysical properties (such as structural, functional, and spatial information, amino acid conservation, physicochemical variation, residue mobility, and thermodynamic stability) indicates that this missense variant is not expected to disrupt HCN4 protein function with a negative predictive value of 95%. In summary, the available evidence is currently insufficient to determine the role of this variant in disease. Therefore, it has been classified as a Variant of Uncertain Significance.

Ambry Genetics
Classification: Uncertain significance for Cardiovascular phenotype. Last evaluated: 2022-08-03. Review status: criteria provided, single submitter. Criteria: Ambry Variant Classification Scheme 2023. Collection method: clinical testing. Allele origin: germline.
Comment: The p.P1060R variant (also known as c.3179C>G), located in coding exon 8 of the HCN4 gene, results from a C to G substitution at nucleotide position 3179. The proline at codon 1060 is replaced by arginine, an amino acid with dissimilar properties. This amino acid position is conserved. In addition, the in silico prediction for this alteration is inconclusive. Since supporting evidence is limited at this time, the clinical significance of this alteration remains unclear.